The following is an entry in ClinVar:

ClinVar aggregate classification (germline): Uncertain significance. Review status: criteria provided, multiple submitters, no conflicts (2 of 4 stars). 2 submissions from 2 submitters: Uncertain significance (2). Last evaluated 2023-09-12.

Allele frequency attached by ClinVar (database versions not stated): gnomAD 0.00001; gnomAD exomes 0.00003; TOPMed 0.00005.
gnomAD v4.1: 48 of 1,551,482 alleles (0.0031%); highest among the groups gnomAD compares: Non-Finnish European, 0.0039%; no homozygotes.

Submissions (2):

Blueprint Genetics
Classification: Uncertain significance. Last evaluated: 2023-09-12. Review status: criteria provided, single submitter. Criteria: ACMG Guidelines, 2015. Collection method: clinical testing. Allele origin: germline.

Labcorp Genetics (formerly Invitae), Labcorp
Classification: Uncertain significance. Last evaluated: 2022-06-27. Review status: criteria provided, single submitter. Criteria: Invitae Variant Classification Sherloc (09022015). Collection method: clinical testing. Allele origin: germline.
Comment: This sequence change replaces serine, which is neutral and polar, with phenylalanine, which is neutral and non-polar, at codon 3243 of the CDH23 protein (p.Ser3243Phe). This variant is present in population databases (no rsID available, gnomAD 0.004%). This variant has not been reported in the literature in individuals affected with CDH23-related conditions. Algorithms developed to predict the effect of missense changes on protein structure and function are either unavailable or do not agree on the potential impact of this missense change (SIFT: "Deleterious"; PolyPhen-2: "Not Available"; Align-GVGD: "Class C0"). In summary, the available evidence is currently insufficient to determine the role of this variant in disease. Therefore, it has been classified as a Variant of Uncertain Significance.

NM_022124.6(CDH23):c.9728C>T (p.Ser3243Phe)

Gene: CDH23 (cadherin related 23; plus strand). Cytogenetic location: 10q22.1.
Variant type: single nucleotide variant.
Coding change: c.9728C>T on transcript NM_022124.6 (MANE Select); coding-DNA position 9728, C replaced by T.
Protein change: p.Ser3243Phe; replaces serine 3243 with phenylalanine.
Molecular consequence: missense variant. On other transcripts: intron variant (2).
Genome position (GRCh38, 1-based): chr10:71,813,338, C>T. VCF-style: chr10-71813338-C-T. GRCh37 (hg19) VCF-style: chr10-73573095-C-T.
Other names: c.3008C>T, p.Ser1003Phe (NM_001171933.1); c.419C>T, p.Ser140Phe (NM_001171935.1); c.2913+448C>T (NM_001171934.1); c.324+448C>T (NM_001171936.1); short protein forms S1003F, S140F, S3243F.
Identifiers: ClinVar variation 2184763 (VCV002184763.2), dbSNP rs941288214, ClinGen allele CA209445397.
Genomic context (GRCh38, chr10:71,813,338, plus strand): 5'-TGCGGCTCAAAAAGCTCTTTGCACAGCGGATGGTGCAAAAAGCCTCCTCCTGCCACTCCT[C>T]CATCTCTGAGGTAGCCGGCTGGGTGGCTGGGAGCTGTGTGCTGTGCCCCAGCCTGGGGAT-3'
Protein context (NP_071407.4, residues 3233-3253): MVQKASSCHS[Ser3243Phe]ISELIQTELD